The following is an entry in ClinVar:

NM_177965.4(CFAP418):c.521A>G (p.Lys174Arg)

Gene: CFAP418 (cilia and flagella associated protein 418; minus strand). Cytogenetic location: 8q22.1.
Variant type: single nucleotide variant.
Coding change: c.521A>G on transcript NM_177965.4 (MANE Select); coding-DNA position 521, A replaced by G.
Protein change: p.Lys174Arg; replaces lysine 174 with arginine.
Molecular consequence: missense variant.
Genome position (GRCh38, 1-based): chr8:95,247,720, T>C on the plus strand (A>G on the coding strand, the complement: CFAP418 is on the minus strand). VCF-style: chr8-95247720-T-C. GRCh37 (hg19) VCF-style: chr8-96259948-T-C.
Other names: c.425A>G, p.Lys142Arg (NM_001363260.1); short protein forms K174R, K142R.
Identifiers: ClinVar variation 283430 (VCV000283430.21), dbSNP rs148114532, ClinGen allele CA4815119.

ClinVar aggregate classification (germline): Conflicting classifications of pathogenicity. Review status: criteria provided, conflicting classifications (1 of 4 stars). 6 submissions from 5 submitters: Uncertain significance (4); Benign (1); Likely benign (1). Last evaluated 2026-01-27.

Conditions:
Retinitis pigmentosa (RP). Identifiers: Orphanet 791, MedGen C0035334, MeSH D012174, MONDO:0019200, OMIM 268000. Inheritance: Autosomal dominant, autosomal recessive and X linked inheritance.
Cone-rod dystrophy 16 (CORD16). Identifiers: MedGen C3281045, MONDO:0013786, OMIM 614500.

Allele frequency attached by ClinVar (database versions not stated): ESP Exome Variant Server 0.00038; gnomAD 0.00039 and 0.00045; TOPMed 0.00043; gnomAD exomes 0.00046 and 0.00085; ExAC 0.00073; 1000 Genomes Project 30x 0.00078; 1000 Genomes Project 0.00100.

Submissions (6):

Labcorp Genetics (formerly Invitae), Labcorp
Classification: Benign. Last evaluated: 2026-01-27. Review status: criteria provided, single submitter. Criteria: Invitae Variant Classification Sherloc (09022015). Collection method: clinical testing. Allele origin: germline.

Blueprint Genetics
Classification: Likely benign. Last evaluated: 2024-10-07. Review status: criteria provided, single submitter. Criteria: ACMG Guidelines, 2015. Collection method: clinical testing. Allele origin: germline.

Women's Health and Genetics/Laboratory Corporation of America, LabCorp
Classification: Uncertain significance. Last evaluated: 2023-04-20. Review status: criteria provided, single submitter. Criteria: LabCorp Variant Classification Summary - May 2015. Collection method: clinical testing. Allele origin: germline.
Comment: Variant summary: C8orf37 c.521A>G (p.Lys174Arg) results in a conservative amino acid change in the encoded protein sequence. Five of five in-silico tools predict a benign effect of the variant on protein function. The variant allele was found at a frequency of 0.00085 in 250416 control chromosomes, predominantly at a frequency of 0.0013 within the South Asian subpopulation in the gnomAD database. To our knowledge, no occurrence of c.521A>G in individuals affected with Bardet-Biedl Syndrome 21 and no experimental evidence demonstrating its impact on protein function have been reported. Three clinical diagnostic laboratories have submitted clinical-significance assessments for this variant to ClinVar after 2014 and classified as VUS (n=2) and Benign (n=1). Based on the evidence outlined above, the variant was classified as uncertain significance.

Illumina Laboratory Services, Illumina
Classification: Uncertain significance for Cone-rod dystrophy 16. Last evaluated: 2018-01-12. Review status: criteria provided, single submitter. Criteria: ICSL Variant Classification Criteria 13 December 2019. Collection method: clinical testing. Allele origin: germline.

Illumina Laboratory Services, Illumina
Classification: Uncertain significance for Retinitis pigmentosa. Last evaluated: 2018-01-12. Review status: criteria provided, single submitter. Criteria: ICSL Variant Classification Criteria 13 December 2019. Collection method: clinical testing. Allele origin: germline.

Eurofins Ntd Llc (ga)
Classification: Uncertain significance. Last evaluated: 2015-09-21. Review status: criteria provided, single submitter. Criteria: EGL Classification Definitions 2015. Collection method: clinical testing. Allele origin: germline.